The following is an entry in ClinVar:

ClinVar aggregate classification (germline): Uncertain significance. Review status: criteria provided, multiple submitters, no conflicts (2 of 4 stars). 2 submissions from 2 submitters: Uncertain significance (2). Last evaluated 2025-01-02.

Conditions:
Inborn genetic diseases. Identifiers: MedGen C0950123, MeSH D030342.

gnomAD v4.1: 6 of 1,613,768 alleles (0.00037%); highest among the groups gnomAD compares: East Asian, 0.0089%; no homozygotes.

Submissions (2):

Women's Health and Genetics/Laboratory Corporation of America, LabCorp
Classification: Uncertain significance. Last evaluated: 2025-01-02. Review status: criteria provided, single submitter. Criteria: LabCorp Variant Classification Summary - May 2015. Collection method: clinical testing. Allele origin: germline.
Comment: Variant summary: KMT2C c.6469G>C (p.Asp2157His) results in a non-conservative amino acid change in the encoded protein sequence. Four of four in-silico tools predict a damaging effect of the variant on protein function. The variant allele was found at a frequency of 8e-06 in 251002 control chromosomes (gnomAD v2.1). The available data on variant occurrences in the general population are insufficient to allow any conclusion about variant significance. To our knowledge, no occurrence of c.6469G>C in individuals affected with Kleefstra Syndrome 2 and no experimental evidence demonstrating its impact on protein function have been reported. No submitters have cited clinical-significance assessments for this variant to ClinVar. Based on the evidence outlined above, the variant was classified as uncertain significance.

Ambry Genetics
Classification: Uncertain significance for Inborn genetic diseases. Last evaluated: 2024-10-12. Review status: criteria provided, single submitter. Criteria: Ambry Variant Classification Scheme 2023. Collection method: clinical testing. Allele origin: germline.

NM_170606.3(KMT2C):c.6469G>C (p.Asp2157His)

Gene: KMT2C (lysine methyltransferase 2C; minus strand). Cytogenetic location: 7q36.1.
Variant type: single nucleotide variant.
Coding change: c.6469G>C on transcript NM_170606.3 (MANE Select); coding-DNA position 6469, G replaced by C.
Protein change: p.Asp2157His; replaces aspartic acid 2157 with histidine.
Molecular consequence: missense variant.
Genome position (GRCh38, 1-based): chr7:152,181,391, C>G on the plus strand (G>C on the coding strand, the complement: KMT2C is on the minus strand). VCF-style: chr7-152181391-C-G. GRCh37 (hg19) VCF-style: chr7-151878476-C-G.
Other names: short protein forms D2157H.
Identifiers: ClinVar variation 3535511 (VCV003535511.3).